The following is an entry in ClinVar:

NM_004260.4(RECQL4):c.757C>T (p.Gln253Ter)

Gene: RECQL4 (RecQ like helicase 4; minus strand). Cytogenetic location: 8q24.3.
Variant type: single nucleotide variant.
Coding change: c.757C>T on transcript NM_004260.4 (MANE Select); coding-DNA position 757, C replaced by T.
Protein change: p.Gln253Ter; replaces glutamine 253 with a stop codon.
Molecular consequence: nonsense. On other transcripts: 5 prime UTR variant (17), non-coding transcript variant (3).
Genome position (GRCh38, 1-based): chr8:144,516,362, G>A on the plus strand (C>T on the coding strand, the complement: RECQL4 is on the minus strand). VCF-style: chr8-144516362-G-A. GRCh37 (hg19) VCF-style: chr8-145741746-G-A.
Other names: c.-377C>T (NM_001413031.1, NM_001413032.1, NM_001413041.1 and 2 more transcripts); c.757C>T, p.Gln253Ter (NM_001413033.1, NM_001413036.1, NM_001413039.1 and 4 more transcripts); c.-219C>T (NM_001413034.1); c.-315C>T (NM_001413035.1, NM_001413037.1, NM_001413038.1 and 7 more transcripts); c.-584C>T (NM_001413043.1); c.628C>T, p.Gln210Ter (NM_001413025.1); c.406C>T, p.Gln136Ter (NM_001413029.1); short protein forms Q136*, Q210*, Q253*.
Identifiers: ClinVar variation 3381973 (VCV003381973.2).

ClinVar aggregate classification (germline): Pathogenic (1 of 4 stars; one submission).

Conditions:
Rothmund-Thomson syndrome type 2 (RTS2). Identifiers: Orphanet 221016, MedGen C5203410, MONDO:0016369, OMIM 268400.

Submission:

Juno Genomics, Hangzhou Juno Genomics, Inc
Classification: Pathogenic for Rothmund-Thomson syndrome type 2. Review status: criteria provided, single submitter. Criteria: ACMG Guidelines, 2015. Collection method: clinical testing. Allele origin: germline. Affected: yes.
Comment: Absent from controls (or at extremely low frequency if recessive) in Genome Aggregation Database, Exome Sequencing Project, 1000 Genomes Project, or Exome Aggregation Consortium.;Null variant in a gene where loss of function (LOF) is a known mechanism of disease.;For recessive disorders, detected in trans with a pathogenic variant.